The following is an entry in ClinVar:

NM_006612.6(KIF1C):c.2481G>A (p.Gly827=)

Gene: KIF1C (kinesin family member 1C; plus strand). Cytogenetic location: 17p13.2.
Variant type: single nucleotide variant.
Coding change: c.2481G>A on transcript NM_006612.6 (MANE Select); coding-DNA position 2481, G replaced by A.
Protein change: p.Gly827=; no amino-acid change (glycine 827 retained).
Molecular consequence: synonymous variant.
Genome position (GRCh38, 1-based): chr17:5,022,562, G>A. VCF-style: chr17-5022562-G-A. GRCh37 (hg19) VCF-style: chr17-4925857-G-A.
Identifiers: ClinVar variation 468852 (VCV000468852.45), dbSNP rs146679209, ClinGen allele CA8319300.
Genomic context (GRCh38, chr17:5,022,562, plus strand): 5'-AGGCGAGGAGGAAGGAGGTGGAGCTGGCAGTGGTGGTGGCAGTGAGGAGGGAGCCCGAGG[G>A]GCGGAGGTGGAGGACCTCCGGGCCCACATCGACAAGCTGACGGGGATTCTGCAGGAGGTG-3'
Protein context (NP_006603.2, residues 817-837): SGGGSEEGAR[Gly827=]AEVEDLRAHI

ClinVar aggregate classification (germline): Likely benign. Review status: criteria provided, multiple submitters, no conflicts (2 of 4 stars). 4 submissions from 4 submitters: Likely benign (4). Last evaluated 2025-10-27.

Conditions:
Spastic ataxia 2. Also called: Ataxia, spastic, 2, autosomal recessive. Identifiers: Orphanet 397946, MedGen C1969796, MONDO:0012651, OMIM 611302.

Allele frequency attached by ClinVar (database versions not stated): TOPMed 0.00023; ExAC 0.00050; gnomAD 0.00022; gnomAD exomes 0.00023 and 0.00051; ESP Exome Variant Server 0.00069.
gnomAD v4.1: 758 of 1,594,470 alleles (0.048%); highest among the groups gnomAD compares: Non-Finnish European, 0.063%; no homozygotes.

Submissions (4):

Labcorp Genetics (formerly Invitae), Labcorp
Classification: Likely benign for Spastic ataxia 2. Last evaluated: 2025-10-27. Review status: criteria provided, single submitter. Criteria: Invitae Variant Classification Sherloc (09022015). Collection method: clinical testing. Allele origin: germline.

CeGaT Center for Human Genetics Tuebingen
Classification: Likely benign. Last evaluated: 2025-10-01. Review status: criteria provided, single submitter. Criteria: CeGaT Center For Human Genetics Tuebingen Variant Classification Criteria Version 2. Collection method: clinical testing. Allele origin: germline. Affected: yes. Observed: 7 variant alleles.
Comment: KIF1C: BP4, BP7

Blueprint Genetics
Classification: Likely benign. Last evaluated: 2024-11-18. Review status: criteria provided, single submitter. Criteria: ACMG Guidelines, 2015. Collection method: clinical testing. Allele origin: germline.

GeneDx
Classification: Likely benign. Last evaluated: 2017-07-24. Review status: criteria provided, single submitter. Criteria: GeneDx Variant Classification (06012015). Collection method: clinical testing. Allele origin: germline. Affected: yes.
Comment: This variant is considered likely benign or benign based on one or more of the following criteria: it is a conservative change, it occurs at a poorly conserved position in the protein, it is predicted to be benign by multiple in silico algorithms, and/or has population frequency not consistent with disease.